The following is an entry in ClinVar:

NM_001113491.2(SEPTIN9):c.*54_*55dup

Gene: SEPTIN9 (septin 9; plus strand). Cytogenetic location: 17q25.3.
Variant type: Duplication.
Coding change: c.*54_*55dup on transcript NM_001113491.2 (MANE Select); 54 bases downstream of the stop codon through 55 bases downstream of the stop codon, 2 bases duplicated (CC; older notation c.*54_*55dupCC).
Molecular consequence: 3 prime UTR variant.
Genome position (GRCh38, 1-based): chr17:77,498,712-77,498,713, CC duplicated; duplicating any 2 consecutive bases within chr17:77,498,706-77,498,713 gives the same sequence; the c. name uses the placement nearest the transcript's 3' end. VCF-style (leftmost placement, unchanged base first): chr17-77498705-T-TCC. GRCh37 (hg19) VCF-style: chr17-75494787-T-TCC.
Other names: c.*54_*55dup (NM_001113492.2, NM_001113493.2, NM_001113494.1 and 7 more transcripts).
Identifiers: ClinVar variation 325581 (VCV000325581.29), dbSNP rs5822173, ClinGen allele CA8793959.
Genomic context (GRCh38, chr17:77,498,705, plus strand): 5'-CCCCGGAGATGTAGACGCCACCCTGCCCACCCCCGGGATCCTGCCCCCAAGTCATTTCCG[T>TCC]CCCCCCCCAGGCCCTCCCACCACCCCATTTTATTTTATATGATTTTCTCCATTTGTCATC-3'

ClinVar aggregate classification (germline): Likely benign (1 of 4 stars; one submission).

Submission:

CeGaT Center for Human Genetics Tuebingen
Classification: Likely benign. Last evaluated: 2023-07-01. Review status: criteria provided, single submitter. Criteria: CeGaT Center For Human Genetics Tuebingen Variant Classification Criteria Version 2. Collection method: clinical testing. Allele origin: germline. Affected: yes. Observed: 5 variant alleles.
Comment: SEPTIN9: BS1